The following is an entry in ClinVar:

NM_002691.4(POLD1):c.2606C>T (p.Ser869Leu)

Gene: POLD1 (DNA polymerase delta 1, catalytic subunit; plus strand). Cytogenetic location: 19q13.33.
Variant type: single nucleotide variant.
Coding change: c.2606C>T on transcript NM_002691.4 (MANE Select); coding-DNA position 2606, C replaced by T.
Protein change: p.Ser869Leu; replaces serine 869 with leucine.
Molecular consequence: missense variant. On other transcripts: non-coding transcript variant (1).
Genome position (GRCh38, 1-based): chr19:50,415,479, C>T. VCF-style: chr19-50415479-C-T. GRCh37 (hg19) VCF-style: chr19-50918736-C-T.
Other names: c.2606C>T, p.Ser869Leu (NM_001256849.1); c.2684C>T, p.Ser895Leu (NM_001308632.1); c.2606C>T (NM_002691.2); short protein forms S895L, S869L.
Identifiers: ClinVar variation 469278 (VCV000469278.13), dbSNP rs1422842883, ClinGen allele CA406985405.

ClinVar aggregate classification (germline): Uncertain significance. Review status: criteria provided, multiple submitters, no conflicts (2 of 4 stars). 4 submissions from 4 submitters: Uncertain significance (4). Last evaluated 2025-11-11.

Conditions:
Hereditary cancer-predisposing syndrome. Also called: Neoplastic Syndromes, Hereditary; Hereditary neoplastic syndrome; Tumor predisposition; Hereditary Cancer Syndrome. Identifiers: Orphanet 140162, MedGen C0027672, MeSH D009386, MONDO:0015356.
POLD1-related polyposis and colorectal cancer syndrome (CRCS10). Also called: Colorectal cancer 10; COLORECTAL CANCER, SUSCEPTIBILITY TO, ON CHROMOSOME 19q; Colorectal cancer, susceptibility to, 10. Identifiers: Orphanet 220460, MedGen C2675481, MONDO:0012953, OMIM 612591.

Allele frequency attached by ClinVar (database versions not stated): gnomAD exomes below 0.00001; TOPMed 0.00001.
gnomAD v4.1: 10 of 1,613,124 alleles (0.00062%); highest among the groups gnomAD compares: East Asian, 0.0022%; no homozygotes.

Submissions (4):

Women's Health and Genetics/Laboratory Corporation of America, LabCorp
Classification: Uncertain significance. Last evaluated: 2025-11-11. Review status: criteria provided, single submitter. Criteria: LabCorp Variant Classification Summary - May 2015. Collection method: clinical testing. Allele origin: germline.
Comment: Variant summary: POLD1 c.2606C>T (p.Ser869Leu) results in a non-conservative amino acid change in the encoded protein sequence. Algorithms developed to predict the effect of missense changes on protein structure and function are either unavailable or do not agree on the potential impact of this missense change. The variant allele was found at a frequency of 4e-06 in 249366 control chromosomes. The available data on variant occurrences in the general population are insufficient to allow any conclusion about variant significance. To our knowledge, no occurrence of c.2606C>T in individuals affected with POLD1-related conditions and no experimental evidence demonstrating its impact on protein function have been reported. The following publications have been ascertained in the context of this evaluation (PMID: 32041611, 27442865, 28481359). ClinVar contains an entry for this variant (Variation ID: 469278). Based on the evidence outlined above, the variant was classified as uncertain significance.

Labcorp Genetics (formerly Invitae), Labcorp
Classification: Uncertain significance for POLD1-related polyposis and colorectal cancer syndrome. Last evaluated: 2025-07-21. Review status: criteria provided, single submitter. Criteria: Invitae Variant Classification Sherloc (09022015). Collection method: clinical testing. Allele origin: germline.
Comment: This sequence change replaces serine, which is neutral and polar, with leucine, which is neutral and non-polar, at codon 869 of the POLD1 protein (p.Ser869Leu). This variant is present in population databases (no rsID available, gnomAD 0.003%). This variant has not been reported in the literature in individuals affected with POLD1-related conditions. ClinVar contains an entry for this variant (Variation ID: 469278). Invitae Evidence Modeling of protein sequence and biophysical properties (such as structural, functional, and spatial information, amino acid conservation, physicochemical variation, residue mobility, and thermodynamic stability) indicates that this missense variant is expected to disrupt POLD1 protein function with a positive predictive value of 80%. In summary, the available evidence is currently insufficient to determine the role of this variant in disease. Therefore, it has been classified as a Variant of Uncertain Significance.

Ambry Genetics
Classification: Uncertain significance for Hereditary cancer-predisposing syndrome. Last evaluated: 2024-11-08. Review status: criteria provided, single submitter. Criteria: Ambry Variant Classification Scheme 2023. Collection method: clinical testing. Allele origin: germline.
Comment: The p.S869L variant (also known as c.2606C>T), located in coding exon 20 of the POLD1 gene, results from a C to T substitution at nucleotide position 2606. The serine at codon 869 is replaced by leucine, an amino acid with dissimilar properties. This amino acid position is highly conserved in available vertebrate species. In addition, this alteration is predicted to be tolerated by in silico analysis. Based on the available evidence, the clinical significance of this variant remains unclear.

GeneDx
Classification: Uncertain significance. Last evaluated: 2023-11-14. Review status: criteria provided, single submitter. Criteria: GeneDx Variant Classification Process June 2021. Collection method: clinical testing. Allele origin: germline. Affected: yes.
Comment: Not observed at significant frequency in large population cohorts (gnomAD); In silico analysis, which includes protein predictors and evolutionary conservation, supports a deleterious effect; Has not been previously published as pathogenic or benign to our knowledge; This variant is associated with the following publications: (PMID: 32041611)

Literature cited by the submitters: PubMed 32041611 (cited by Women's Health and Genetics/Laboratory Corporation of America, LabCorp); PubMed 28481359 (cited by Women's Health and Genetics/Laboratory Corporation of America, LabCorp); PubMed 27442865 (cited by Women's Health and Genetics/Laboratory Corporation of America, LabCorp).